The following is an entry in ClinVar:

NM_003001.5(SDHC):c.341A>C (p.His114Pro)

Gene: SDHC (succinate dehydrogenase complex subunit C; plus strand). Cytogenetic location: 1q23.3.
Variant type: single nucleotide variant.
Coding change: c.341A>C on transcript NM_003001.5 (MANE Select); coding-DNA position 341, A replaced by C.
Protein change: p.His114Pro; replaces histidine 114 with proline.
Molecular consequence: missense variant. On other transcripts: non-coding transcript variant (1), intron variant (3).
Genome position (GRCh38, 1-based): chr1:161,356,776, A>C. VCF-style: chr1-161356776-A-C. GRCh37 (hg19) VCF-style: chr1-161326566-A-C.
Other names: c.239A>C, p.His80Pro (NM_001035512.3); c.182A>C, p.His61Pro (NM_001035513.3); c.461A>C, p.His154Pro (NM_001407115.1); c.284A>C, p.His95Pro (NM_001407116.1); c.278A>C, p.His93Pro (NM_001407117.1); c.233A>C, p.His78Pro (NM_001407118.1); c.230A>C, p.His77Pro (NM_001407119.1, NM_001407120.1); c.242-5553A>C (NM_001035511.3); and 2 more; short protein forms H77P, H78P, H80P, H95P, H61P, H114P, H154P, H93P.
Identifiers: ClinVar variation 2943401 (VCV002943401.3), dbSNP rs386833413, ClinGen allele CA343456541.

ClinVar aggregate classification (germline): Uncertain significance (1 of 4 stars; one submission).

Conditions:
Gastrointestinal stromal tumor. Also called: Gastrointestinal stromal tumor, somatic; Gastrointestinal stroma tumor. Identifiers: Orphanet 44890, MedGen C0238198, MeSH D046152, MONDO:0011719, OMIM 606764, HP:0100723.
Pheochromocytoma/paraganglioma syndrome 3. Also called: GLOMUS TUMORS, FAMILIAL, 3; Paragangliomas 3; SDHC-Related Hereditary Paraganglioma-Pheochromocytoma Syndrome (Paragangliomas 3); SDHC-Related Hereditary Paraganglioma-Pheochromocytoma Syndrome. Identifiers: Orphanet 29072, MedGen C1854336, MONDO:0011544, OMIM 605373.

Submission:

Labcorp Genetics (formerly Invitae), Labcorp
Classification: Uncertain significance for Pheochromocytoma/paraganglioma syndrome 3; Gastrointestinal stromal tumor. Last evaluated: 2024-01-02. Review status: criteria provided, single submitter. Criteria: Invitae Variant Classification Sherloc (09022015). Collection method: clinical testing. Allele origin: germline.
Comment: This sequence change replaces histidine, which is basic and polar, with proline, which is neutral and non-polar, at codon 114 of the SDHC protein (p.His114Pro). This variant is not present in population databases (gnomAD no frequency). This variant has not been reported in the literature in individuals affected with SDHC-related conditions. An algorithm developed to predict the effect of missense changes on protein structure and function (PolyPhen-2) suggests that this variant is likely to be tolerated. In summary, the available evidence is currently insufficient to determine the role of this variant in disease. Therefore, it has been classified as a Variant of Uncertain Significance.